The following is an entry in ClinVar:

NM_002460.4(IRF4):c.1322A>T (p.His441Leu)

Gene: IRF4 (interferon regulatory factor 4; plus strand). Cytogenetic location: 6p25.3.
Variant type: single nucleotide variant.
Coding change: c.1322A>T on transcript NM_002460.4 (MANE Select); coding-DNA position 1322, A replaced by T.
Protein change: p.His441Leu; replaces histidine 441 with leucine.
Molecular consequence: missense variant. On other transcripts: non-coding transcript variant (1).
Genome position (GRCh38, 1-based): chr6:407,564, A>T. VCF-style: chr6-407564-A-T. GRCh37 (hg19) VCF-style: chr6-407564-A-T.
Other names: c.1319A>T, p.His440Leu (NM_001195286.2); short protein forms H440L, H441L.
Identifiers: ClinVar variation 1905501 (VCV001905501.5), dbSNP rs752069005, ClinGen allele CA3612944.

ClinVar aggregate classification (germline): Uncertain significance (1 of 4 stars; one submission).

Allele frequency attached by ClinVar (database versions not stated): ExAC 0.00001; gnomAD 0.00001; gnomAD exomes 0.00008.
gnomAD v4.1: 119 of 1,611,694 alleles (0.0074%); highest among the groups gnomAD compares: Non-Finnish European, 0.01%; no homozygotes.

Submission:

Labcorp Genetics (formerly Invitae), Labcorp
Classification: Uncertain significance. Last evaluated: 2024-01-02. Review status: criteria provided, single submitter. Criteria: Invitae Variant Classification Sherloc (09022015). Collection method: clinical testing. Allele origin: germline.
Comment: This sequence change replaces histidine, which is basic and polar, with leucine, which is neutral and non-polar, at codon 441 of the IRF4 protein (p.His441Leu). This variant is present in population databases (rs752069005, gnomAD 0.003%). This variant has not been reported in the literature in individuals affected with IRF4-related conditions. ClinVar contains an entry for this variant (Variation ID: 1905501). An algorithm developed to predict the effect of missense changes on protein structure and function (PolyPhen-2) suggests that this variant is likely to be tolerated. In summary, the available evidence is currently insufficient to determine the role of this variant in disease. Therefore, it has been classified as a Variant of Uncertain Significance.